The following is an entry in ClinVar:

ClinVar aggregate classification (germline): Uncertain significance (1 of 4 stars; one submission).

Conditions:
Dilated cardiomyopathy 1O (CMD1O). Also called: CARDIOMYOPATHY, DILATED, WITH VENTRICULAR TACHYCARDIA. Identifiers: Orphanet 154, MedGen C1837839, MONDO:0012062, OMIM 608569.

Submission:

Labcorp Genetics (formerly Invitae), Labcorp
Classification: Uncertain significance for Dilated cardiomyopathy 1O. Last evaluated: 2022-02-09. Review status: criteria provided, single submitter. Criteria: Invitae Variant Classification Sherloc (09022015). Collection method: clinical testing. Allele origin: germline.
Comment: In summary, the available evidence is currently insufficient to determine the role of this variant in disease. Therefore, it has been classified as a Variant of Uncertain Significance. Algorithms developed to predict the effect of missense changes on protein structure and function (SIFT, PolyPhen-2, Align-GVGD) all suggest that this variant is likely to be tolerated. This variant has not been reported in the literature in individuals affected with ABCC9-related conditions. This variant is not present in population databases (gnomAD no frequency). This sequence change replaces glutamic acid, which is acidic and polar, with aspartic acid, which is acidic and polar, at codon 1521 of the ABCC9 protein (p.Glu1521Asp).

NM_020297.4(ABCC9):c.4512+737G>T

Genes: ABCC9 (ATP binding cassette subfamily C member 9; minus strand), KCNJ8-AS1 (KCNJ8 antisense RNA 1; plus strand). Cytogenetic location: 12p12.1.
Variant type: single nucleotide variant.
Coding change: c.4512+737G>T on transcript NM_020297.4 (MANE Select); 737 bases into the intron after coding-DNA position 4512, G replaced by T.
Molecular consequence: intron variant. On other transcripts: missense variant (1).
Genome position (GRCh38, 1-based): chr12:21,805,261, C>A on the plus strand (G>T on the coding strand, the complement: ABCC9 is on the minus strand). VCF-style: chr12-21805261-C-A. GRCh37 (hg19) VCF-style: chr12-21958195-C-A.
Other names: c.4563G>T, p.Glu1521Asp (NM_005691.4); c.3645+737G>T (NM_001377274.1); c.4512+737G>T (NM_001377273.1); short protein forms E1521D.
Identifiers: ClinVar variation 1479100 (VCV001479100.6), dbSNP rs2137105025, ClinGen allele CA384129305.